The following is an entry in ClinVar:

NM_003820.4(TNFRSF14):c.305-98G>A

Gene: TNFRSF14 (TNF receptor superfamily member 14; plus strand). Cytogenetic location: 1p36.32.
Variant type: single nucleotide variant.
Coding change: c.305-98G>A on transcript NM_003820.4 (MANE Select); 98 bases into the intron before coding-DNA position 305, G replaced by A.
Molecular consequence: intron variant.
Genome position (GRCh38, 1-based): chr1:2,559,725, G>A. VCF-style: chr1-2559725-G-A. GRCh37 (hg19) VCF-style: chr1-2491164-G-A.
Other names: c.305-98G>A (NM_001297605.2).
Identifiers: ClinVar variation 133413 (VCV000133413.1), dbSNP rs2234160, ClinGen allele CA156505.
Genomic context (GRCh38, chr1:2,559,725, plus strand): 5'-CCATGCTGGGTACCTCTGGGCACCTCGTTTGGCTGAGCCAGGGGTTCAGCCTGGCAGGGC[G>A]CCCTGGCAGCAGTCCTTGGCCTGTGGATGCTGTCCTGGCCCGTGGATGGTGTCCCGGCCT-3'

ClinVar aggregate classification (germline): not provided (0 of 4 stars; one submission).

Allele frequency attached by ClinVar (database versions not stated): 1000 Genomes Project 30x 0.01140; 1000 Genomes Project 0.01158; ExAC 0.01977; TOPMed 0.02407; gnomAD exomes 0.02472; gnomAD 0.02666 and 0.02732.
gnomAD v4.1: 50,006 of 1,538,132 alleles (3.3%); highest among the groups gnomAD compares: Non-Finnish European, 3.7%; 909 homozygotes.

Submission:

ITMI
No classification provided. Condition: AllHighlyPenetrant. Last evaluated: 2013-09-19. Review status: no classification provided. Collection method: reference population. Allele origin: germline.
Comment: Please see associated publication for description of ethnicities

Literature cited by the submitters: PubMed 24728327.